The following is an entry in ClinVar:

NM_181486.4(TBX5):c.985_987delinsAC (p.Glu329fs)

Gene: TBX5 (T-box transcription factor 5; minus strand). Cytogenetic location: 12q24.21.
Variant type: Indel.
Coding change: c.985_987delinsAC on transcript NM_181486.4 (MANE Select); coding-DNA positions 985 to 987, GAA replaced by AC.
Protein change: p.Glu329fs; shifts the reading frame from glutamic acid 329.
Molecular consequence: frameshift variant.
Genome position (GRCh38, 1-based): chr12:114,356,102-114,356,104, TTC replaced by GT on the plus strand (GAA replaced by AC on the coding strand, the reverse complement: TBX5 is on the minus strand). VCF-style: chr12-114356102-TTC-GT. GRCh37 (hg19) VCF-style: chr12-114793907-TTC-GT.
Other names: c.985_987delinsAC, p.Glu329fs (NM_000192.3); c.835_837delinsAC, p.Glu279fs (NM_080717.4); short protein forms E279fs, E329fs.
Identifiers: ClinVar variation 495731 (VCV000495731.1), dbSNP rs1555223294, ClinGen allele CA658683794.

ClinVar aggregate classification (germline): Likely pathogenic (1 of 4 stars; one submission).

Conditions:
Congenital heart disease (variable). Identifiers: MedGen C3805326.

Submission:

Women's Health and Genetics/Laboratory Corporation of America, LabCorp
Classification: Likely pathogenic for Congenital heart disease (variable). Last evaluated: 2016-07-25. Review status: criteria provided, single submitter. Criteria: LabCorp Variant Classification Summary - May 2015. Collection method: clinical testing. Allele origin: germline.
Comment: Variant summary: The TBX5 c.985_987delinsAC (p.Glu329Thrfs) variant alters amino acid sequence beginning at codon 329 of 513 AA long TBX5 protein, leading to a premature stop codon 65 amino acids downstream. This is predicted to cause a truncated TBX5 protein. While this particular variant has not been reported in the literature and databases, other truncating variants downstream of Glu329 are known to be pathogenic. This variant is absent in 121028 control chromosomes. Taken together, this variant is classified as likely pathogenic until more evidence becomes available.